The following is an entry in ClinVar:

NM_001170700.3(DTHD1):c.1484T>C (p.Ile495Thr)

Gene: DTHD1 (death domain containing 1; plus strand). Cytogenetic location: 4p14.
Variant type: single nucleotide variant.
Coding change: c.1484T>C on transcript NM_001170700.3 (MANE Select); coding-DNA position 1484, T replaced by C.
Protein change: p.Ile495Thr; replaces isoleucine 495 with threonine.
Molecular consequence: missense variant. On other transcripts: non-coding transcript variant (2).
Genome position (GRCh38, 1-based): chr4:36,294,880, T>C. VCF-style: chr4-36294880-T-C. GRCh37 (hg19) VCF-style: chr4-36296502-T-C.
Other names: c.614T>C, p.Ile205Thr (NM_001136536.5); c.551T>C, p.Ile184Thr (NM_001378435.1); short protein forms I184T, I205T, I495T.
Identifiers: ClinVar variation 843879 (VCV000843879.9), dbSNP rs1756300503, ClinGen allele CA356679905.

ClinVar aggregate classification (germline): Uncertain significance (1 of 4 stars; one submission).

Submission:

Labcorp Genetics (formerly Invitae), Labcorp
Classification: Uncertain significance. Last evaluated: 2023-06-09. Review status: criteria provided, single submitter. Criteria: Invitae Variant Classification Sherloc (09022015). Collection method: clinical testing. Allele origin: germline.
Comment: This sequence change replaces isoleucine, which is neutral and non-polar, with threonine, which is neutral and polar, at codon 205 of the DTHD1 protein (p.Ile205Thr). In summary, the available evidence is currently insufficient to determine the role of this variant in disease. Therefore, it has been classified as a Variant of Uncertain Significance. An algorithm developed to predict the effect of missense changes on protein structure and function (PolyPhen-2) suggests that this variant is likely to be tolerated. ClinVar contains an entry for this variant (Variation ID: 843879). This variant has not been reported in the literature in individuals affected with DTHD1-related conditions. This variant is not present in population databases (gnomAD no frequency).